The following is an entry in ClinVar:

ClinVar aggregate classification (germline): Uncertain significance. Review status: criteria provided, multiple submitters, no conflicts (2 of 4 stars). 5 submissions from 5 submitters: Uncertain significance (5). Last evaluated 2025-07-22.

Conditions:
Cardiomyopathy (CMYO). Also called: Cardiomyopathies. Identifiers: Orphanet 167848, MedGen C0878544, MONDO:0004994, HP:0001638. Inheritance: Various modes of inheritance.
Cardiovascular phenotype. Identifiers: MedGen CN230736.
Catecholaminergic polymorphic ventricular tachycardia (CVPT). Also called: Catecholamine-induced polymorphic ventricular tachycardia. Identifiers: Orphanet 3286, MedGen C5574922, MONDO:0017990.
Catecholaminergic polymorphic ventricular tachycardia 1. Also called: VENTRICULAR TACHYCARDIA, CATECHOLAMINERGIC POLYMORPHIC, 1, WITH OR WITHOUT ATRIAL DYSFUNCTION AND/OR DILATED CARDIOMYOPATHY; RYR2-Related Catecholaminergic Polymorphic Ventricular Tachycardia; VENTRICULAR TACHYCARDIA, STRESS-INDUCED POLYMORPHIC 1. Identifiers: Orphanet 3286, MedGen C1631597, MONDO:0011484, OMIM 604772.

Allele frequency attached by ClinVar (database versions not stated): gnomAD exomes below 0.00001; TOPMed 0.00001.
gnomAD v4.1: 1 of 1,613,424 alleles (0.000062%); highest among the groups gnomAD compares: South Asian, 0.0011%; no homozygotes.

Submissions (5):

Color Diagnostics, LLC DBA Color Health
Classification: Uncertain significance for Cardiomyopathy. Last evaluated: 2025-07-22. Review status: criteria provided, single submitter. Criteria: ACMG Guidelines, 2015. Collection method: clinical testing. Allele origin: germline.
Comment: This missense variant replaces arginine with tryptophan at codon 1414 of the RYR2 protein. Computational prediction is inconclusive regarding the impact of this variant on protein structure and function. To our knowledge, functional studies have not been reported for this variant. This variant has been reported in an individual affected with left ventricular noncompaction (PMID: 33500567). This variant has been identified in 1/248262 chromosomes in the general population by the Genome Aggregation Database (gnomAD). The available evidence is insufficient to determine the role of this variant in disease conclusively. Therefore, this variant is classified as a Variant of Uncertain Significance.

All of Us Research Program, National Institutes of Health
Classification: Uncertain significance for Catecholaminergic polymorphic ventricular tachycardia. Last evaluated: 2024-09-11. Review status: criteria provided, single submitter. Criteria: ACMG Guidelines, 2015. Collection method: clinical testing. Allele origin: germline. Inheritance: Autosomal dominant inheritance. Observed: 2 variant alleles, 2 heterozygotes.
Comment: This missense variant replaces arginine with tryptophan at codon 1414 of the RYR2 protein. Computational prediction is inconclusive regarding the impact of this variant on protein structure and function (internally defined REVEL score threshold 0.5 < inconclusive < 0.7, PMID: 27666373). Splice site prediction tools suggest that this variant may not impact RNA splicing. To our knowledge, functional studies have not been reported for this variant. This variant has not been reported in individuals affected with cardiovascular disorders in the literature. This variant has been identified in 1/248262 chromosomes in the general population by the Genome Aggregation Database (gnomAD). The available evidence is insufficient to determine the role of this variant in disease conclusively. Therefore, this variant is classified as a Variant of Uncertain Significance.

This study involves interpretation of variants in research participants for the purpose of population health screening. Participant phenotype was not available at the time of variant classification. Additional details can be found in publication PMID: 35346344, PMCID: PMC8962531

Labcorp Genetics (formerly Invitae), Labcorp
Classification: Uncertain significance for Catecholaminergic polymorphic ventricular tachycardia 1. Last evaluated: 2024-02-17. Review status: criteria provided, single submitter. Criteria: Invitae Variant Classification Sherloc (09022015). Collection method: clinical testing. Allele origin: germline.
Comment: This sequence change replaces arginine, which is basic and polar, with tryptophan, which is neutral and slightly polar, at codon 1414 of the RYR2 protein (p.Arg1414Trp). This variant is present in population databases (no rsID available, gnomAD 0.003%). This missense change has been observed in individual(s) with left ventricular noncompaction (PMID: 33500567). ClinVar contains an entry for this variant (Variation ID: 505054). Advanced modeling of protein sequence and biophysical properties (such as structural, functional, and spatial information, amino acid conservation, physicochemical variation, residue mobility, and thermodynamic stability) performed at Invitae indicates that this missense variant is not expected to disrupt RYR2 protein function with a negative predictive value of 95%. In summary, the available evidence is currently insufficient to determine the role of this variant in disease. Therefore, it has been classified as a Variant of Uncertain Significance.

Ambry Genetics
Classification: Uncertain significance for Cardiovascular phenotype. Last evaluated: 2023-11-21. Review status: criteria provided, single submitter. Criteria: Ambry Variant Classification Scheme 2023. Collection method: clinical testing. Allele origin: germline.
Comment: The p.R1414W variant (also known as c.4240C>T), located in coding exon 32 of the RYR2 gene, results from a C to T substitution at nucleotide position 4240. The arginine at codon 1414 is replaced by tryptophan, an amino acid with dissimilar properties. This alteration has been reported in a left ventricular non-compaction (LVNC) cohort (Mazzarotto F et al. Genet Med, 2021 May;23:856-864). This amino acid position is well conserved in available vertebrate species. In addition, this alteration is predicted to be deleterious by in silico analysis. Since supporting evidence is limited at this time, the clinical significance of this alteration remains unclear.

Laboratory for Molecular Medicine, Mass General Brigham Personalized Medicine
Classification: Uncertain significance. Last evaluated: 2016-05-27. Review status: criteria provided, single submitter. Criteria: LMM Criteria. Collection method: clinical testing. Allele origin: germline. Observed: 1 variant allele.
Comment: The p.Arg1414Trp variant in RYR2 has not been previously reported in individuals with cardiomyopathy or in large population studies. Computational prediction to ols and conservation analysis suggest that the p.Arg1414Trp variant may impact t he protein, though this information is not predictive enough to determine pathog enicity. In summary, the clinical significance of the p.Arg1414Trp variant is un certain.

Literature cited by the submitters: PubMed 33500567 (cited by 3 submitters).

NM_001035.3(RYR2):c.4240C>T (p.Arg1414Trp)

Gene: RYR2 (ryanodine receptor 2; plus strand). Cytogenetic location: 1q43.
Variant type: single nucleotide variant.
Coding change: c.4240C>T on transcript NM_001035.3 (MANE Select); coding-DNA position 4240, C replaced by T.
Protein change: p.Arg1414Trp; replaces arginine 1414 with tryptophan.
Molecular consequence: missense variant.
Genome position (GRCh38, 1-based): chr1:237,591,818, C>T. VCF-style: chr1-237591818-C-T. GRCh37 (hg19) VCF-style: chr1-237755118-C-T.
Other names: short protein forms R1414W.
Identifiers: ClinVar variation 505054 (VCV000505054.19), dbSNP rs868750680, ClinGen allele CA39804143.